The following is an entry in ClinVar:

ClinVar aggregate classification (germline): Uncertain significance. Review status: criteria provided, multiple submitters, no conflicts (2 of 4 stars). 2 submissions from 2 submitters: Uncertain significance (2). Last evaluated 2025-06-12.

Allele frequency attached by ClinVar (database versions not stated): ESP Exome Variant Server 0.00015; 1000 Genomes Project 30x 0.00016; 1000 Genomes Project 0.00020.
gnomAD v4.1: 107 of 1,614,192 alleles (0.0066%); highest among the groups gnomAD compares: Non-Finnish European, 0.0088%; no homozygotes.

Submissions (2):

Labcorp Genetics (formerly Invitae), Labcorp
Classification: Uncertain significance. Last evaluated: 2025-06-12. Review status: criteria provided, single submitter. Criteria: Invitae Variant Classification Sherloc (09022015). Collection method: clinical testing. Allele origin: germline.
Comment: This sequence change replaces serine, which is neutral and polar, with isoleucine, which is neutral and non-polar, at codon 341 of the SERPINB8 protein (p.Ser341Ile). This variant is present in population databases (rs144873303, gnomAD 0.009%). This variant has not been reported in the literature in individuals affected with SERPINB8-related conditions. ClinVar contains an entry for this variant (Variation ID: 3160444). Invitae Evidence Modeling of protein sequence and biophysical properties (such as structural, functional, and spatial information, amino acid conservation, physicochemical variation, residue mobility, and thermodynamic stability) indicates that this missense variant is not expected to disrupt SERPINB8 protein function with a negative predictive value of 80%. In summary, the available evidence is currently insufficient to determine the role of this variant in disease. Therefore, it has been classified as a Variant of Uncertain Significance.

Ambry Genetics
Classification: Uncertain significance. Last evaluated: 2023-12-22. Review status: criteria provided, single submitter. Criteria: Ambry Variant Classification Scheme 2023. Collection method: clinical testing. Allele origin: germline.

NM_002640.4(SERPINB8):c.1022G>T (p.Ser341Ile)

Gene: SERPINB8 (serpin family B member 8; plus strand). Cytogenetic location: 18q22.1.
Variant type: single nucleotide variant.
Coding change: c.1022G>T on transcript NM_002640.4 (MANE Select); coding-DNA position 1022, G replaced by T.
Protein change: p.Ser341Ile; replaces serine 341 with isoleucine.
Molecular consequence: missense variant. On other transcripts: 3 prime UTR variant (2), non-coding transcript variant (1), intron variant (1).
Genome position (GRCh38, 1-based): chr18:63,987,175, G>T. VCF-style: chr18-63987175-G-T. GRCh37 (hg19) VCF-style: chr18-61654409-G-T.
Other names: c.476G>T, p.Ser159Ile (NM_001276490.2); c.*189G>T (NM_001348368.2, NM_001348369.2); c.482G>T, p.Ser161Ile (NM_001348370.2); c.1022G>T, p.Ser341Ile (NM_001366198.1, NM_198833.2); c.720+1930G>T (NM_001348367.2); short protein forms S159I, S161I, S341I.
Identifiers: ClinVar variation 3160444 (VCV003160444.2), dbSNP rs144873303, ClinGen allele CA8990936.